The following is an entry in ClinVar:

NM_152703.5(SAMD9L):c.2810T>C (p.Ile937Thr)

Gene: SAMD9L (sterile alpha motif domain containing 9 like; minus strand). Cytogenetic location: 7q21.2.
Variant type: single nucleotide variant.
Coding change: c.2810T>C on transcript NM_152703.5 (MANE Select); coding-DNA position 2810, T replaced by C.
Protein change: p.Ile937Thr; replaces isoleucine 937 with threonine.
Molecular consequence: missense variant.
Genome position (GRCh38, 1-based): chr7:93,133,162, A>G on the plus strand (T>C on the coding strand, the complement: SAMD9L is on the minus strand). VCF-style: chr7-93133162-A-G. GRCh37 (hg19) VCF-style: chr7-92762475-A-G.
Other names: c.2810T>C, p.Ile937Thr (NM_001303496.3, NM_001303497.3, NM_001303498.3 and 5 more transcripts); c.2810T>C (NM_152703.2); short protein forms I937T.
Identifiers: ClinVar variation 2783496 (VCV002783496.5), dbSNP rs2535417239, ClinGen allele CA368186353.

ClinVar aggregate classification (germline): Uncertain significance. Review status: criteria provided, multiple submitters, no conflicts (2 of 4 stars). 3 submissions from 3 submitters: Uncertain significance (3). Last evaluated 2024-12-31.

Conditions:
Inborn genetic diseases. Identifiers: MedGen C0950123, MeSH D030342.

Submissions (3):

Ambry Genetics
Classification: Uncertain significance for Inborn genetic diseases. Last evaluated: 2024-12-31. Review status: criteria provided, single submitter. Criteria: Ambry Variant Classification Scheme 2023. Collection method: clinical testing. Allele origin: germline.
Comment: The p.I937T variant (also known as c.2810T>C), located in coding exon 1 of the SAMD9L gene, results from a T to C substitution at nucleotide position 2810. The isoleucine at codon 937 is replaced by threonine, an amino acid with similar properties. This amino acid position is conserved. In addition, the in silico prediction for this alteration is inconclusive. Based on the available evidence, the clinical significance of this variant remains unclear.

Labcorp Genetics (formerly Invitae), Labcorp
Classification: Uncertain significance. Last evaluated: 2023-11-24. Review status: criteria provided, single submitter. Criteria: Invitae Variant Classification Sherloc (09022015). Collection method: clinical testing. Allele origin: germline.
Comment: This sequence change replaces isoleucine, which is neutral and non-polar, with threonine, which is neutral and polar, at codon 937 of the SAMD9L protein (p.Ile937Thr). This variant is not present in population databases (gnomAD no frequency). This variant has not been reported in the literature in individuals affected with SAMD9L-related conditions. Advanced modeling of protein sequence and biophysical properties (such as structural, functional, and spatial information, amino acid conservation, physicochemical variation, residue mobility, and thermodynamic stability) performed at Invitae indicates that this missense variant is expected to disrupt SAMD9L protein function with a positive predictive value of 80%. In summary, the available evidence is currently insufficient to determine the role of this variant in disease. Therefore, it has been classified as a Variant of Uncertain Significance.

Blueprint Genetics
Classification: Uncertain significance. Last evaluated: 2021-09-15. Review status: criteria provided, single submitter. Criteria: ACMG Guidelines, 2015. Collection method: clinical testing. Allele origin: germline.